The following is an entry in ClinVar:

ClinVar aggregate classification (germline): Uncertain significance. Review status: criteria provided, multiple submitters, no conflicts (2 of 4 stars). 2 submissions from 2 submitters: Uncertain significance (2). Last evaluated 2022-10-21.

Conditions:
Inborn genetic diseases. Identifiers: MedGen C0950123, MeSH D030342.

Allele frequency attached by ClinVar (database versions not stated): TOPMed below 0.00001; gnomAD exomes 0.00001.
gnomAD v4.1: 8 of 1,614,008 alleles (0.0005%); highest among the groups gnomAD compares: Non-Finnish European, 0.00068%; no homozygotes.

Submissions (2):

Ambry Genetics
Classification: Uncertain significance for Inborn genetic diseases. Last evaluated: 2022-10-21. Review status: criteria provided, single submitter. Criteria: Ambry Variant Classification Scheme 2023. Collection method: clinical testing. Allele origin: germline.
Comment: The p.C830R variant (also known as c.2488T>C), located in coding exon 18 of the LTBP3 gene, results from a T to C substitution at nucleotide position 2488. The cysteine at codon 830 is replaced by arginine, an amino acid with highly dissimilar properties. This amino acid position is conserved. In addition, this alteration is predicted to be deleterious by in silico analysis. Since supporting evidence is limited at this time, the clinical significance of this alteration remains unclear.

Blueprint Genetics
Classification: Uncertain significance. Last evaluated: 2021-03-08. Review status: criteria provided, single submitter. Criteria: ACMG Guidelines, 2015. Collection method: clinical testing. Allele origin: germline.

NM_001130144.3(LTBP3):c.2488T>C (p.Cys830Arg)

Gene: LTBP3 (latent transforming growth factor beta binding protein 3; minus strand). Cytogenetic location: 11q13.1.
Variant type: single nucleotide variant.
Coding change: c.2488T>C on transcript NM_001130144.3 (MANE Select); coding-DNA position 2488, T replaced by C.
Protein change: p.Cys830Arg; replaces cysteine 830 with arginine.
Molecular consequence: missense variant.
Genome position (GRCh38, 1-based): chr11:65,543,213, A>G on the plus strand (T>C on the coding strand, the complement: LTBP3 is on the minus strand). VCF-style: chr11-65543213-A-G. GRCh37 (hg19) VCF-style: chr11-65310684-A-G.
Other names: c.2137T>C, p.Cys713Arg (NM_001164266.1); c.2488T>C, p.Cys830Arg (NM_021070.4); short protein forms C830R, C713R.
Identifiers: ClinVar variation 1792023 (VCV001792023.3), dbSNP rs1856230265, ClinGen allele CA381269151.
Genomic context (GRCh38, chr11:65,543,213, plus strand): 5'-ATCTGTAGGAGCCATTGGTATTGATGCAGTCACCCCCAATGCAGGCTGCAGGGAAGTCAC[A>G]CTCATCAATGTCTGTAGGGGATGGAAGGGGTGGAGAATCTCAGGGGCTGATCACCAACCC-3'
Protein context (NP_001123616.1, residues 820-840): DRSHCEDIDE[Cys830Arg]DFPAACIGGD